The following is an entry in ClinVar:

ClinVar aggregate classification (germline): Uncertain significance. Review status: criteria provided, single submitter (1 of 4 stars). 2 submissions from 2 submitters: Uncertain significance (1). 1 of the submissions does not count toward it. Last evaluated 2021-07-01.

Conditions:
Spastic paraplegia. Identifiers: MedGen C0037772, HP:0001258.
Spastic paraplegia 86, autosomal recessive (SPG86). Identifiers: Orphanet 631085, MedGen C5676910, MONDO:0030673, OMIM 619735.

Allele frequency attached by ClinVar (database versions not stated): ExAC 0.00001; gnomAD 0.00001 and 0.00002; gnomAD exomes 0.00001; ESP Exome Variant Server 0.00012.
gnomAD v4.1: 13 of 1,612,662 alleles (0.00081%); highest among the groups gnomAD compares: Non-Finnish European, 0.001%; no homozygotes.

Submissions (2):

Care4Rare-SOLVE, CHEO
Classification: Uncertain significance for Spastic paraplegia. Last evaluated: 2021-07-01. Review status: criteria provided, single submitter. Criteria: ACMG Guidelines, 2015. Collection method: research. Allele origin: germline. Affected: yes. Observed: 4 variant alleles, 4 homozygotes.
Comment: This variant was identified in two sibling-pairs affected with a complex form of hereditary spastic paraplegia from two unrelated French-Canadian families. In silico programs predict a deleterious effect on the protein (CADD, MutationTaster, Polyphen-2)

OMIM
Classification: Pathogenic for SPASTIC PARAPLEGIA 86, AUTOSOMAL RECESSIVE. Last evaluated: 2022-02-09. Review status: no assertion criteria provided. Collection method: literature only. Allele origin: germline. Not counted in ClinVar's aggregate classification.

Literature cited by the submitters: DOI 10.1016/j.ajhg.2021.09.005 (cited by Care4Rare-SOLVE, CHEO); PubMed 34587489 (cited by OMIM).

NM_021160.3(ABHD16A):c.353G>A (p.Arg118His)

Gene: ABHD16A (abhydrolase domain containing 16A, phospholipase; minus strand). Cytogenetic location: 6p21.33.
Variant type: single nucleotide variant.
Coding change: c.353G>A on transcript NM_021160.3 (MANE Select); coding-DNA position 353, G replaced by A.
Protein change: p.Arg118His; replaces arginine 118 with histidine.
Molecular consequence: missense variant. On other transcripts: non-coding transcript variant (2).
Genome position (GRCh38, 1-based): chr6:31,697,024, C>T on the plus strand (G>A on the coding strand, the complement: ABHD16A is on the minus strand). VCF-style: chr6-31697024-C-T. GRCh37 (hg19) VCF-style: chr6-31664801-C-T.
Other names: c.254G>A, p.Arg85His (NM_001177515.2); short protein forms R118H, R85H.
Identifiers: ClinVar variation 1199388 (VCV001199388.2), dbSNP rs149790845, ClinGen allele CA3719479.